The following is an entry in ClinVar:

ClinVar aggregate classification (germline): Uncertain significance. Review status: criteria provided, multiple submitters, no conflicts (2 of 4 stars). 2 submissions from 2 submitters: Uncertain significance (2). Last evaluated 2023-04-18.

Conditions:
Hereditary cancer-predisposing syndrome. Also called: Hereditary Cancer Syndrome; Neoplastic Syndromes, Hereditary; Hereditary neoplastic syndrome; Tumor predisposition. Identifiers: Orphanet 140162, MedGen C0027672, MeSH D009386, MONDO:0015356.

Allele frequency attached by ClinVar (database versions not stated): gnomAD exomes below 0.00001; TOPMed below 0.00001.
gnomAD v4.1: 1 of 1,613,538 alleles (0.000062%); highest among the groups gnomAD compares: Non-Finnish European, 0.000085%; no homozygotes.

Submissions (2):

Ambry Genetics
Classification: Uncertain significance for Hereditary cancer-predisposing syndrome. Last evaluated: 2023-04-18. Review status: criteria provided, single submitter. Criteria: Ambry Variant Classification Scheme 2023. Collection method: clinical testing. Allele origin: germline.
Comment: The p.A658G variant (also known as c.1973C>G), located in coding exon 14 of the MSH3 gene, results from a C to G substitution at nucleotide position 1973. The alanine at codon 658 is replaced by glycine, an amino acid with similar properties. This variant was identified as germline in a cohort of 690 patients with myeloid malignancy (Li ST et al. Leukemia, 2020 Jun;34:1675-1678). This amino acid position is well conserved in available vertebrate species. In addition, the in silico prediction for this alteration is inconclusive. Since supporting evidence is limited at this time, the clinical significance of this alteration remains unclear.

Labcorp Genetics (formerly Invitae), Labcorp
Classification: Uncertain significance. Last evaluated: 2022-07-13. Review status: criteria provided, single submitter. Criteria: Invitae Variant Classification Sherloc (09022015). Collection method: clinical testing. Allele origin: germline.
Comment: This sequence change replaces alanine, which is neutral and non-polar, with glycine, which is neutral and non-polar, at codon 658 of the MSH3 protein (p.Ala658Gly). This variant is not present in population databases (gnomAD no frequency). This variant has not been reported in the literature in individuals affected with MSH3-related conditions. Algorithms developed to predict the effect of missense changes on protein structure and function (SIFT, PolyPhen-2, Align-GVGD) all suggest that this variant is likely to be tolerated. In summary, the available evidence is currently insufficient to determine the role of this variant in disease. Therefore, it has been classified as a Variant of Uncertain Significance.

Literature cited by the submitters: PubMed 31911633 (cited by Ambry Genetics).

NM_002439.5(MSH3):c.1973C>G (p.Ala658Gly)

Gene: MSH3 (mutS homolog 3; plus strand). Cytogenetic location: 5q14.1.
Variant type: single nucleotide variant.
Coding change: c.1973C>G on transcript NM_002439.5 (MANE Select); coding-DNA position 1973, C replaced by G.
Protein change: p.Ala658Gly; replaces alanine 658 with glycine.
Molecular consequence: missense variant.
Genome position (GRCh38, 1-based): chr5:80,768,009, C>G. VCF-style: chr5-80768009-C-G. GRCh37 (hg19) VCF-style: chr5-80063828-C-G.
Other names: c.1973C>G (NM_002439.3); short protein forms A658G.
Identifiers: ClinVar variation 2016411 (VCV002016411.6), dbSNP rs945430450, ClinGen allele CA121319948.
Genomic context (GRCh38, chr5:80,768,009, plus strand): 5'-TCTTCTTGATTGTCAAAACTTTATATCACCTAAAGTCAGAATTTCAAGCAATAATACCTG[C>G]TGTTAATTCCCACATTCAGTCAGACTTGCTCCGGACCGTTATTTTAGAAATTCCTGAACT-3'
Protein context (NP_002430.3, residues 648-668): LKSEFQAIIP[Ala658Gly]VNSHIQSDLL